The following is an entry in ClinVar:

ClinVar aggregate classification (germline): Uncertain significance (1 of 4 stars; one submission).

Conditions:
Hereditary cancer-predisposing syndrome. Also called: Neoplastic Syndromes, Hereditary; Tumor predisposition; Hereditary Cancer Syndrome; Hereditary neoplastic syndrome. Identifiers: Orphanet 140162, MedGen C0027672, MeSH D009386, MONDO:0015356.

gnomAD v4.1: 2 of 1,533,512 alleles (0.00013%); highest among the groups gnomAD compares: Non-Finnish European, 0.00017%; no homozygotes.

Submission:

Ambry Genetics
Classification: Uncertain significance for Hereditary cancer-predisposing syndrome. Last evaluated: 2025-03-22. Review status: criteria provided, single submitter. Criteria: Ambry Variant Classification Scheme 2023. Collection method: clinical testing. Allele origin: germline.
Comment: The p.V610M variant (also known as c.1828G>A), located in coding exon 6 of the BLM gene, results from a G to A substitution at nucleotide position 1828. The valine at codon 610 is replaced by methionine, an amino acid with highly similar properties. This amino acid position is poorly conserved in available vertebrate species. In addition, this alteration is predicted to be tolerated by in silico analysis. Since supporting evidence is limited at this time, the clinical significance of this alteration remains unclear.

NM_000057.4(BLM):c.1828G>A (p.Val610Met)

Gene: BLM (BLM RecQ like helicase; plus strand). Cytogenetic location: 15q26.1.
Variant type: single nucleotide variant.
Coding change: c.1828G>A on transcript NM_000057.4 (MANE Select); coding-DNA position 1828, G replaced by A.
Protein change: p.Val610Met; replaces valine 610 with methionine.
Molecular consequence: missense variant.
Genome position (GRCh38, 1-based): chr15:90,761,201, G>A. VCF-style: chr15-90761201-G-A. GRCh37 (hg19) VCF-style: chr15-91304431-G-A.
Other names: c.1828G>A, p.Val610Met (NM_001287246.2, NM_001287247.2); c.703G>A, p.Val235Met (NM_001287248.2); short protein forms V235M, V610M.
Identifiers: ClinVar variation 1780883 (VCV001780883.3), dbSNP rs2505429482, ClinGen allele CA393843928.
Genomic context (GRCh38, chr15:90,761,201, plus strand): 5'-GGTCGGCCAATTAAATCAGTATCAGAAAGACTTTCCTCAGCCAAGACAGACTGTCTTCCA[G>A]TGTCATCTACTGCTCAAAATATAAACTTCTCAGAGTCAATTCAGAATTATACTGGTAAGT-3'
Protein context (NP_000048.1, residues 600-620): LSSAKTDCLP[Val610Met]SSTAQNINFS